The following is an entry in ClinVar:

NM_020778.5(ALPK3):c.1114G>C (p.Gly372Arg)

Gene: ALPK3 (alpha kinase 3; plus strand). Cytogenetic location: 15q25.3.
Variant type: single nucleotide variant.
Coding change: c.1114G>C on transcript NM_020778.5 (MANE Select); coding-DNA position 1114, G replaced by C.
Protein change: p.Gly372Arg; replaces glycine 372 with arginine.
Molecular consequence: missense variant.
Genome position (GRCh38, 1-based): chr15:84,840,393, G>C. VCF-style: chr15-84840393-G-C. GRCh37 (hg19) VCF-style: chr15-85383624-G-C.
Other names: short protein forms G372R.
Identifiers: ClinVar variation 2645651 (VCV002645651.24), dbSNP rs2141556931, ClinGen allele CA393374471.

ClinVar aggregate classification (germline): Uncertain significance (1 of 4 stars; one submission).

Allele frequency attached by ClinVar (database versions not stated): gnomAD exomes below 0.00001.
gnomAD v4.1: 1 of 1,613,912 alleles (0.000062%); highest among the groups gnomAD compares: Non-Finnish European, 0.000085%; no homozygotes.

Submission:

CeGaT Center for Human Genetics Tuebingen
Classification: Uncertain significance. Last evaluated: 2023-09-01. Review status: criteria provided, single submitter. Criteria: CeGaT Center For Human Genetics Tuebingen Variant Classification Criteria Version 2. Collection method: clinical testing. Allele origin: germline. Affected: yes. Observed: 1 variant allele.
Comment: ALPK3: PM2, BP4